The following is an entry in ClinVar:

NM_001365276.2(TNXB):c.2986C>T (p.Arg996Trp)

Gene: TNXB (tenascin XB; minus strand). Cytogenetic location: 6p21.33.
Variant type: single nucleotide variant.
Coding change: c.2986C>T on transcript NM_001365276.2 (MANE Select); coding-DNA position 2986, C replaced by T.
Protein change: p.Arg996Trp; replaces arginine 996 with tryptophan.
Molecular consequence: missense variant.
Genome position (GRCh38, 1-based): chr6:32,085,912, G>A on the plus strand (C>T on the coding strand, the complement: TNXB is on the minus strand). VCF-style: chr6-32085912-G-A. GRCh37 (hg19) VCF-style: chr6-32053689-G-A.
Other names: c.2986C>T, p.Arg996Trp (NM_019105.8); short protein forms R996W.
Identifiers: ClinVar variation 1804460 (VCV001804460.3), dbSNP rs775825339, ClinGen allele CA3735280.

ClinVar aggregate classification (germline): Uncertain significance. Review status: criteria provided, multiple submitters, no conflicts (2 of 4 stars). 3 submissions from 3 submitters: Uncertain significance (3). Last evaluated 2025-09-08.

Conditions:
Cardiovascular phenotype. Identifiers: MedGen CN230736.

Allele frequency attached by ClinVar (database versions not stated): gnomAD 0.00001; TOPMed 0.00001.
gnomAD v4.1: 23 of 1,608,520 alleles (0.0014%); highest among the groups gnomAD compares: South Asian, 0.0022%; no homozygotes.

Submissions (3):

Women's Health and Genetics/Laboratory Corporation of America, LabCorp
Classification: Uncertain significance. Last evaluated: 2025-09-08. Review status: criteria provided, single submitter. Criteria: LabCorp Variant Classification Summary - May 2015. Collection method: clinical testing. Allele origin: germline.
Comment: Variant summary: TNXB c.2986C>T (p.Arg996Trp) results in a non-conservative amino acid change in the encoded protein sequence. Algorithms developed to predict the effect of missense changes on protein structure and function are either unavailable or do not agree on the potential impact of this missense change. The variant allele was found at a frequency of 1.2e-05 in 243994 control chromosomes. The available data on variant occurrences in the general population are insufficient to allow any conclusion about variant significance. To our knowledge, no occurrence of c.2986C>T in individuals affected with TNXB-related conditions and no experimental evidence demonstrating its impact on protein function have been reported. ClinVar contains an entry for this variant (Variation ID: 1804460). Based on the evidence outlined above, the variant was classified as uncertain significance.

Ambry Genetics
Classification: Uncertain significance for Cardiovascular phenotype. Last evaluated: 2023-10-08. Review status: criteria provided, single submitter. Criteria: Ambry Variant Classification Scheme 2023. Collection method: clinical testing. Allele origin: germline.
Comment: The p.R996W variant (also known as c.2986C>T), located in coding exon 6 of the TNXB gene, results from a C to T substitution at nucleotide position 2986. The arginine at codon 996 is replaced by tryptophan, an amino acid with dissimilar properties. This amino acid position is conserved. In addition, this alteration is predicted to be tolerated by in silico analysis. Since supporting evidence is limited at this time, the clinical significance of this alteration remains unclear.

GeneDx
Classification: Uncertain significance. Last evaluated: 2022-12-15. Review status: criteria provided, single submitter. Criteria: GeneDx Variant Classification Process June 2021. Collection method: clinical testing. Allele origin: germline. Affected: yes.
Comment: Has not been previously published as pathogenic or benign to our knowledge; Not observed at a significant frequency in large population cohorts (gnomAD); In silico analysis supports that this missense variant has a deleterious effect on protein structure/function; In silico analysis suggests this variant may impact gene splicing. In the absence of RNA/functional studies, the actual effect of this sequence change is unknown.